The following is an entry in ClinVar:

NM_170707.4(LMNA):c.1337A>G (p.Asp446Gly)

Gene: LMNA (lamin A/C; plus strand). Cytogenetic location: 1q22.
Variant type: single nucleotide variant.
Coding change: c.1337A>G on transcript NM_170707.4 (MANE Select); coding-DNA position 1337, A replaced by G.
Protein change: p.Asp446Gly; replaces aspartic acid 446 with glycine.
Molecular consequence: missense variant.
Genome position (GRCh38, 1-based): chr1:156,136,393, A>G. VCF-style: chr1-156136393-A-G. GRCh37 (hg19) VCF-style: chr1-156106184-A-G.
Other names: c.1337A>G (NM_170707.3); c.1001A>G, p.Asp334Gly (NM_001257374.3); c.1094A>G, p.Asp365Gly (NM_001282624.2); c.1337A>G, p.Asp446Gly (NM_001282625.2, NM_001282626.2, NM_005572.4 and 1 more transcripts); short protein forms D446G, D334G, D365G.
Identifiers: ClinVar variation 502242 (VCV000502242.17), dbSNP rs58541611, ClinGen allele CA342822060.

ClinVar aggregate classification (germline): Conflicting classifications of pathogenicity. Review status: criteria provided, conflicting classifications (1 of 4 stars). 3 submissions from 3 submitters: Pathogenic (1); Uncertain significance (2). Last evaluated 2023-02-21.

Conditions:
Charcot-Marie-Tooth disease type 2. Also called: Charcot-Marie-Tooth type 2. Identifiers: Orphanet 64746, MedGen C0270914, MONDO:0018993.

Allele frequency attached by ClinVar (database versions not stated): gnomAD exomes below 0.00001.

Submissions (3):

Labcorp Genetics (formerly Invitae), Labcorp
Classification: Pathogenic for Charcot-Marie-Tooth disease type 2. Last evaluated: 2023-02-21. Review status: criteria provided, single submitter. Criteria: Invitae Variant Classification Sherloc (09022015). Collection method: clinical testing. Allele origin: germline.
Comment: For these reasons, this variant has been classified as Pathogenic. This variant disrupts the p.Asp446 amino acid residue in LMNA. Other variant(s) that disrupt this residue have been observed in individuals with LMNA-related conditions (PMID: 14684700, 30107846), which suggests that this may be a clinically significant amino acid residue. Algorithms developed to predict the effect of sequence changes on RNA splicing suggest that this variant may create or strengthen a splice site. Advanced modeling of protein sequence and biophysical properties (such as structural, functional, and spatial information, amino acid conservation, physicochemical variation, residue mobility, and thermodynamic stability) performed at Invitae indicates that this missense variant is expected to disrupt LMNA protein function. ClinVar contains an entry for this variant (Variation ID: 502242). This missense change has been observed in individual(s) with clinical features of limb-girdle muscular dystrophy and dilated cardiomyopathy (Invitae). It has also been observed to segregate with disease in related individuals. This variant is not present in population databases (gnomAD no frequency). This sequence change replaces aspartic acid, which is acidic and polar, with glycine, which is neutral and non-polar, at codon 446 of the LMNA protein (p.Asp446Gly).

Revvity Omics, Revvity
Classification: Uncertain significance. Last evaluated: 2019-04-25. Review status: criteria provided, single submitter. Criteria: ACMG Guidelines, 2015. Collection method: clinical testing. Allele origin: germline.

Eurofins Ntd Llc (ga)
Classification: Uncertain significance. Last evaluated: 2018-07-12. Review status: criteria provided, single submitter. Criteria: EGL ClinVar v180209 classification definitions. Collection method: clinical testing. Allele origin: germline. Observed: 2 variant alleles, 2 heterozygotes.

Literature cited by the submitters: PubMed 14684700 (cited by Labcorp Genetics (formerly Invitae), Labcorp); PubMed 30107846 (cited by Labcorp Genetics (formerly Invitae), Labcorp).